The following is an entry in ClinVar:

NM_138576.4(BCL11B):c.1741G>A (p.Gly581Ser)

Gene: BCL11B (BCL11 transcription factor B; minus strand). Cytogenetic location: 14q32.2.
Variant type: single nucleotide variant.
Coding change: c.1741G>A on transcript NM_138576.4 (MANE Select); coding-DNA position 1741, G replaced by A.
Protein change: p.Gly581Ser; replaces glycine 581 with serine.
Molecular consequence: missense variant.
Genome position (GRCh38, 1-based): chr14:99,175,095, C>T on the plus strand (G>A on the coding strand, the complement: BCL11B is on the minus strand). VCF-style: chr14-99175095-C-T. GRCh37 (hg19) VCF-style: chr14-99641432-C-T.
Other names: c.1738G>A, p.Gly580Ser (NM_001282237.2); c.1525G>A, p.Gly509Ser (NM_001282238.2); c.1528G>A, p.Gly510Ser (NM_022898.3); short protein forms G580S, G509S, G510S, G581S.
Identifiers: ClinVar variation 2098884 (VCV002098884.4), dbSNP rs1371186106, ClinGen allele CA390934704.

ClinVar aggregate classification (germline): Uncertain significance (1 of 4 stars; one submission).

Allele frequency attached by ClinVar (database versions not stated): gnomAD exomes below 0.00001.
gnomAD v4.1: 3 of 1,599,446 alleles (0.00019%); highest among the groups gnomAD compares: East Asian, 0.0022%; no homozygotes.

Submission:

Labcorp Genetics (formerly Invitae), Labcorp
Classification: Uncertain significance. Last evaluated: 2022-02-18. Review status: criteria provided, single submitter. Criteria: Invitae Variant Classification Sherloc (09022015). Collection method: clinical testing. Allele origin: germline.
Comment: This sequence change replaces glycine, which is neutral and non-polar, with serine, which is neutral and polar, at codon 581 of the BCL11B protein (p.Gly581Ser). This variant is not present in population databases (gnomAD no frequency). This variant has not been reported in the literature in individuals affected with BCL11B-related conditions. Algorithms developed to predict the effect of missense changes on protein structure and function (SIFT, PolyPhen-2, Align-GVGD) all suggest that this variant is likely to be tolerated. In summary, the available evidence is currently insufficient to determine the role of this variant in disease. Therefore, it has been classified as a Variant of Uncertain Significance.